The following is an entry in ClinVar:

ClinVar aggregate classification (germline): Uncertain significance (1 of 4 stars; one submission).

Conditions:
X-linked severe combined immunodeficiency (SCIDX1). Also called: X-Linked Combined Immunodeficiency Diseases; IMMUNODEFICIENCY 4; SCID, X-LINKED; SEVERE COMBINED IMMUNODEFICIENCY, X-LINKED, T CELL-NEGATIVE, B CELL-POSITIVE, NK CELL-NEGATIVE; T-B+ severe combined immunodeficiency due to gamma chain deficiency. Identifiers: Orphanet 276, MedGen C6022468, MONDO:0010315, OMIM 300400. Disease mechanism: loss of function.

Submission:

Labcorp Genetics (formerly Invitae), Labcorp
Classification: Uncertain significance for X-linked severe combined immunodeficiency. Last evaluated: 2023-09-06. Review status: criteria provided, single submitter. Criteria: Invitae Variant Classification Sherloc (09022015). Collection method: clinical testing. Allele origin: germline.
Comment: Advanced modeling of protein sequence and biophysical properties (such as structural, functional, and spatial information, amino acid conservation, physicochemical variation, residue mobility, and thermodynamic stability) performed at Invitae indicates that this missense variant is not expected to disrupt IL2RG protein function. In summary, the available evidence is currently insufficient to determine the role of this variant in disease. Therefore, it has been classified as a Variant of Uncertain Significance. This sequence change replaces isoleucine, which is neutral and non-polar, with threonine, which is neutral and polar, at codon 27 of the IL2RG protein (p.Ile27Thr). This variant is not present in population databases (gnomAD no frequency). This variant has not been reported in the literature in individuals affected with IL2RG-related conditions.

NM_000206.3(IL2RG):c.80T>C (p.Ile27Thr)

Genes: IL2RG (interleukin 2 receptor subunit gamma; minus strand), LOC126863274 (MED14-independent group 3 enhancer GRCh37_chrX:70330888-70332087; plus strand). Cytogenetic location: Xq13.1.
Variant type: single nucleotide variant.
Coding change: c.80T>C on transcript NM_000206.3 (MANE Select); coding-DNA position 80, T replaced by C.
Protein change: p.Ile27Thr; replaces isoleucine 27 with threonine.
Molecular consequence: missense variant.
Genome position (GRCh38, 1-based): chrX:71,111,460, A>G on the plus strand (T>C on the coding strand, the complement: IL2RG is on the minus strand). VCF-style: chrX-71111460-A-G. GRCh37 (hg19) VCF-style: chrX-70331310-A-G.
Other names: short protein forms I27T.
Identifiers: ClinVar variation 2758638 (VCV002758638.3), dbSNP rs2519648690, ClinGen allele CA413497641.